The following is an entry in ClinVar:

ClinVar aggregate classification (germline): Uncertain significance. Review status: criteria provided, multiple submitters, no conflicts (2 of 4 stars). 2 submissions from 2 submitters: Uncertain significance (2). Last evaluated 2025-10-01.

Conditions:
POLA1-related disorder. Also called: POLA1-related condition.

gnomAD v4.1: 5 of 1,187,247 alleles (0.00042%); highest among the groups gnomAD compares: Admixed American, 0.0089%; no homozygotes.

Submissions (2):

PreventionGenetics, part of Exact Sciences
Classification: Uncertain significance for POLA1-related condition. Last evaluated: 2025-10-01. Review status: criteria provided, single submitter. Criteria: ACMG Guidelines, 2015. Collection method: clinical testing. Allele origin: germline.
Comment: The POLA1 c.3893G>A variant is predicted to result in the amino acid substitution p.Gly1298Asp. To our knowledge, this variant has not been reported in the literature. This variant is reported in 0.012% of alleles in individuals of Latino descent in gnomAD. At this time, the clinical significance of this variant is uncertain due to the absence of conclusive functional and genetic evidence.

Labcorp Genetics (formerly Invitae), Labcorp
Classification: Uncertain significance. Last evaluated: 2024-04-03. Review status: criteria provided, single submitter. Criteria: Invitae Variant Classification Sherloc (09022015). Collection method: clinical testing. Allele origin: germline.
Comment: This sequence change replaces glycine, which is neutral and non-polar, with aspartic acid, which is acidic and polar, at codon 1298 of the POLA1 protein (p.Gly1298Asp). This variant is present in population databases (rs752921429, gnomAD 0.008%). This variant has not been reported in the literature in individuals affected with POLA1-related conditions. Advanced modeling of protein sequence and biophysical properties (such as structural, functional, and spatial information, amino acid conservation, physicochemical variation, residue mobility, and thermodynamic stability) performed at Invitae indicates that this missense variant is not expected to disrupt POLA1 protein function with a negative predictive value of 80%. In summary, the available evidence is currently insufficient to determine the role of this variant in disease. Therefore, it has been classified as a Variant of Uncertain Significance.

NM_001330360.2(POLA1):c.3911G>A (p.Gly1304Asp)

Gene: POLA1 (DNA polymerase alpha 1, catalytic subunit; plus strand). Cytogenetic location: Xp22.11.
Variant type: single nucleotide variant.
Coding change: c.3911G>A on transcript NM_001330360.2 (MANE Select); coding-DNA position 3911, G replaced by A.
Protein change: p.Gly1304Asp; replaces glycine 1304 with aspartic acid.
Molecular consequence: missense variant. On other transcripts: non-coding transcript variant (2).
Genome position (GRCh38, 1-based): chrX:24,841,826, G>A. VCF-style: chrX-24841826-G-A. GRCh37 (hg19) VCF-style: chrX-24859943-G-A.
Other names: c.3836G>A, p.Gly1279Asp (NM_001378303.1); c.3893G>A, p.Gly1298Asp (NM_016937.4); c.3893G>A (NM_016937.3); short protein forms G1279D, G1298D, G1304D.
Identifiers: ClinVar variation 3614767 (VCV003614767.3).